The following is an entry in ClinVar:

ClinVar aggregate classification (germline): Uncertain significance (1 of 4 stars; one submission).

Allele frequency attached by ClinVar (database versions not stated): gnomAD exomes below 0.00001; TOPMed 0.00001.
gnomAD v4.1: 1 of 1,613,818 alleles (0.000062%); highest among the groups gnomAD compares: Non-Finnish European, 0.000085%; no homozygotes.

Submission:

Labcorp Genetics (formerly Invitae), Labcorp
Classification: Uncertain significance. Last evaluated: 2023-12-02. Review status: criteria provided, single submitter. Criteria: Invitae Variant Classification Sherloc (09022015). Collection method: clinical testing. Allele origin: germline.
Comment: This sequence change replaces arginine, which is basic and polar, with glutamine, which is neutral and polar, at codon 577 of the JAK1 protein (p.Arg577Gln). This variant is not present in population databases (gnomAD no frequency). This variant has not been reported in the literature in individuals affected with JAK1-related conditions. Advanced modeling of protein sequence and biophysical properties (such as structural, functional, and spatial information, amino acid conservation, physicochemical variation, residue mobility, and thermodynamic stability) performed at Invitae indicates that this missense variant is not expected to disrupt JAK1 protein function with a negative predictive value of 80%. In summary, the available evidence is currently insufficient to determine the role of this variant in disease. Therefore, it has been classified as a Variant of Uncertain Significance.

NM_002227.4(JAK1):c.1730G>A (p.Arg577Gln)

Gene: JAK1 (Janus kinase 1; minus strand). Cytogenetic location: 1p31.3.
Variant type: single nucleotide variant.
Coding change: c.1730G>A on transcript NM_002227.4 (MANE Select); coding-DNA position 1730, G replaced by A.
Protein change: p.Arg577Gln; replaces arginine 577 with glutamine.
Molecular consequence: missense variant.
Genome position (GRCh38, 1-based): chr1:64,850,829, C>T on the plus strand (G>A on the coding strand, the complement: JAK1 is on the minus strand). VCF-style: chr1-64850829-C-T. GRCh37 (hg19) VCF-style: chr1-65316512-C-T.
Other names: c.1730G>A, p.Arg577Gln (NM_001320923.2, NM_001321852.2, NM_001321853.2 and 3 more transcripts); c.1727G>A, p.Arg576Gln (NM_001321857.2); short protein forms R576Q, R577Q.
Identifiers: ClinVar variation 2792952 (VCV002792952.3), dbSNP rs1655540494, ClinGen allele CA340668638.